The following continues an entry in ClinVar:

NM_002016.2(FLG):c.7339C>T (p.Arg2447Ter)

ClinVar aggregate classification (germline): Pathogenic/Likely pathogenic. Pathogenic (32); Likely pathogenic (3).

Submissions 35 to 40 of 40:

Neuberg Centre For Genomic Medicine, NCGM
Classification: Pathogenic for Dermatitis, atopic. Review status: criteria provided, single submitter. Criteria: ACMG Guidelines, 2015. Collection method: clinical testing. Allele origin: germline. Affected: yes.
Comment: The observed stop gained variant c.7339C>T(p.Arg2447Ter) in FLG gene has been reported in heterozygous state in multiple individuals with Ichthyosis vulgaris and atopic dermatitis. This recurrent variant is one of the more prevalent FLG pathogenic variants among Northern Europeans (González-Tarancón R, et al., 2020, Gimalova et al., 2016). The c.7339C>T variant has 0.2% allele frequency in gnomAD Exomes. This variant has been reported to the ClinVar database as Pathogenic (multiple submissions). This variant is predicted to cause loss of normal protein function through protein truncation. Loss of function variants have been previously reported to be disease causing (González-Tarancón R, et al., 2020). For these reasons, this variant has been classified as Pathogenic.

Clinical Genetics Laboratory, University Hospital Schleswig-Holstein
Classification: Pathogenic for Ichthyosis vulgaris. Last evaluated: 2021-05-18. Review status: no assertion criteria provided. Collection method: clinical testing. Allele origin: germline. Affected: yes. Not counted in ClinVar's aggregate classification.

Reproductive Health Research and Development, BGI Genomics
Classification: Pathogenic for Ichthyosis vulgaris. Last evaluated: 2020-01-06. Review status: no assertion criteria provided. Collection method: curation. Allele origin: germline. Not counted in ClinVar's aggregate classification.
Comment: NM_002016.1:c.7339C>T in the FLG gene has an allele frequency of 0.006 in European(non-Finnish) subpopulation in the gnomAD database.This variant is predicted to cause loss of normal protein function either through protein truncation or nonsense-mediated mRNA decay. It has been reported multiple times in association with ichthyosis vulgaris and atopic dermatitis as one of the most prevalent FLG pathogenic variants among Northern Europeans (PMID: 17417636; 19874431; 27363669). Taken together, we interprete this variant as Pathogenic/Likely pathogenic variant. ACMG/AMP criteria applied: PVS1; PM2; PS4.

Clinical Genetics DNA and cytogenetics Diagnostics Lab, Erasmus MC, Erasmus Medical Center
Classification: Pathogenic. Review status: no assertion criteria provided. Collection method: clinical testing. Allele origin: germline. Affected: yes. Study: VKGL Data-share Consensus. Not counted in ClinVar's aggregate classification.

Diagnostic Laboratory, Department of Genetics, University Medical Center Groningen
Classification: Pathogenic. Review status: no assertion criteria provided. Collection method: clinical testing. Allele origin: germline. Affected: yes. Study: VKGL Data-share Consensus. Not counted in ClinVar's aggregate classification.

Joint Genome Diagnostic Labs from Nijmegen and Maastricht, Radboudumc and MUMC+
Classification: Pathogenic. Review status: no assertion criteria provided. Collection method: clinical testing. Allele origin: germline. Affected: yes. Study: VKGL Data-share Consensus. Not counted in ClinVar's aggregate classification.

Literature cited by the submitters: PubMed 17417636 (cited by 5 submitters); PubMed 31589614 (cited by Center for Genomic Medicine, Rigshospitalet, Copenhagen University Hospital); PubMed 19874431 (cited by 4 submitters); PubMed 22071473 (cited by Pittsburgh Clinical Genomics Laboratory, University of Pittsburgh Medical Center); PubMed 31637781 (cited by Pittsburgh Clinical Genomics Laboratory, University of Pittsburgh Medical Center and Illumina Laboratory Services, Illumina); PubMed 17502856 (cited by Pittsburgh Clinical Genomics Laboratory, University of Pittsburgh Medical Center); PubMed 33715246 (cited by Pittsburgh Clinical Genomics Laboratory, University of Pittsburgh Medical Center); PubMed 27363669 (cited by Pittsburgh Clinical Genomics Laboratory, University of Pittsburgh Medical Center and Illumina Laboratory Services, Illumina); PubMed 32066784 (cited by Pittsburgh Clinical Genomics Laboratory, University of Pittsburgh Medical Center); PubMed 31365035 (cited by Pittsburgh Clinical Genomics Laboratory, University of Pittsburgh Medical Center); PubMed 18396323 (cited by Illumina Laboratory Services, Illumina); PubMed 22995991 (cited by Undiagnosed Diseases Network, NIH); PubMed 19839980 (cited by Undiagnosed Diseases Network, NIH); PubMed 19785597 (cited by Undiagnosed Diseases Network, NIH); PubMed 21377035 (cited by Undiagnosed Diseases Network, NIH); PubMed 26451970 (cited by Undiagnosed Diseases Network, NIH).